The following is an entry in ClinVar:

ClinVar aggregate classification (germline): Likely benign. Review status: criteria provided, multiple submitters, no conflicts (2 of 4 stars). 4 submissions from 4 submitters: Likely benign (3). 1 of the submissions does not count toward it. Last evaluated 2023-03-01.

Conditions:
LPP-related disorder. Also called: LPP-related condition.

Allele frequency attached by ClinVar (database versions not stated): 1000 Genomes Project 0.00120; 1000 Genomes Project 30x 0.00125; ExAC 0.00200; ESP Exome Variant Server 0.00208; gnomAD exomes 0.00212 and 0.00304; gnomAD 0.00254 and 0.00258; TOPMed 0.00305.
gnomAD v4.1: 4,834 of 1,613,310 alleles (0.3%); highest among the groups gnomAD compares: Admixed American, 0.43%; 17 homozygotes.

Submissions (13):

CeGaT Center for Human Genetics Tuebingen
Classification: Likely benign. Last evaluated: 2023-03-01. Review status: criteria provided, single submitter. Criteria: CeGaT Center For Human Genetics Tuebingen Variant Classification Criteria Version 2. Collection method: clinical testing. Allele origin: germline. Affected: yes. Observed: 1 variant allele.
Comment: LPP: PP3, BS2

Labcorp Genetics (formerly Invitae), Labcorp
Classification: Likely benign. Last evaluated: 2018-06-06. Review status: criteria provided, single submitter. Criteria: Invitae Variant Classification Sherloc (09022015). Collection method: clinical testing. Allele origin: germline.

Breakthrough Genomics
Classification: Likely benign. Review status: criteria provided, single submitter. Criteria: ACMG Guidelines, 2015. Collection method: not provided. Allele origin: germline. Inheritance: Autosomal dominant inheritance. Affected: yes.

PreventionGenetics, part of Exact Sciences
Classification: Likely benign for LPP-related condition. Last evaluated: 2022-11-21. Review status: no assertion criteria provided. Collection method: clinical testing. Allele origin: germline. Not counted in ClinVar's aggregate classification.
Comment: This variant is classified as likely benign based on ACMG/AMP sequence variant interpretation guidelines (Richards et al. 2015 PMID: 25741868, with internal and published modifications).

Dr. Peter K. Rogan Lab, Western University
No classification provided (evidence only). Condition: Clear cell carcinoma of kidney. Review status: no classification provided. Collection method: in vitro. Allele origin: not applicable. Functional consequence: retained intron. Not counted in ClinVar's aggregate classification.

Dr. Peter K. Rogan Lab, Western University
No classification provided (evidence only). Condition: Lung cancer. Review status: no classification provided. Collection method: in vitro. Allele origin: not applicable. Functional consequence: retained intron. Not counted in ClinVar's aggregate classification.

Dr. Peter K. Rogan Lab, Western University
No classification provided (evidence only). Condition: Melanoma. Review status: no classification provided. Collection method: in vitro. Allele origin: not applicable. Functional consequence: retained intron. Not counted in ClinVar's aggregate classification.

Dr. Peter K. Rogan Lab, Western University
No classification provided (evidence only). Condition: Acute myeloid leukemia. Review status: no classification provided. Collection method: in vitro. Allele origin: not applicable. Functional consequence: retained intron. Not counted in ClinVar's aggregate classification.

Dr. Peter K. Rogan Lab, Western University
No classification provided (evidence only). Condition: Acute myeloid leukemia. Review status: no classification provided. Collection method: in vitro. Allele origin: not applicable. Functional consequence: retained intron. Not counted in ClinVar's aggregate classification.

Dr. Peter K. Rogan Lab, Western University
No classification provided (evidence only). Condition: Thyroid cancer, nonmedullary, 1. Review status: no classification provided. Collection method: in vitro. Allele origin: not applicable. Functional consequence: retained intron. Not counted in ClinVar's aggregate classification.

Dr. Peter K. Rogan Lab, Western University
No classification provided (evidence only). Condition: Ovarian serous cystadenocarcinoma. Review status: no classification provided. Collection method: in vitro. Allele origin: not applicable. Functional consequence: retained intron. Not counted in ClinVar's aggregate classification.

Dr. Peter K. Rogan Lab, Western University
No classification provided (evidence only). Condition: Malignant tumor of esophagus. Review status: no classification provided. Collection method: in vitro. Allele origin: not applicable. Functional consequence: retained intron. Not counted in ClinVar's aggregate classification.

Dr. Peter K. Rogan Lab, Western University
No classification provided (evidence only). Condition: Malignant tumor of esophagus. Review status: no classification provided. Collection method: in vitro. Allele origin: not applicable. Functional consequence: retained intron. Not counted in ClinVar's aggregate classification.

NM_001375462.1(LPP):c.1717G>A (p.Gly573Ser)

Gene: LPP (LIM domain containing preferred translocation partner in lipoma; plus strand). Cytogenetic location: 3q28.
Variant type: single nucleotide variant.
Coding change: c.1717G>A on transcript NM_001375462.1 (MANE Select); coding-DNA position 1717, G replaced by A.
Protein change: p.Gly573Ser; replaces glycine 573 with serine.
Molecular consequence: missense variant. On other transcripts: non-coding transcript variant (1).
Genome position (GRCh38, 1-based): chr3:188,874,357, G>A. VCF-style: chr3-188874357-G-A. GRCh37 (hg19) VCF-style: chr3-188592145-G-A.
Other names: NC_000003.11:g.188592145G>A; c.1717G>A, p.Gly573Ser (NM_001167671.3, NM_001375455.1, NM_001375456.1 and 9 more transcripts); c.1276G>A, p.Gly426Ser (NM_001167672.3); short protein forms G426S, G573S.
Identifiers: ClinVar variation 786882 (VCV000786882.30), dbSNP rs9830664, ClinGen allele CA2751656.
Genomic context (GRCh38, chr3:188,874,357, plus strand): 5'-ATGTGTACTTAACGTTTTTACTTATGTCGTTTCCATCTGTCTTTACTGTTCTAGGATTGC[G>A]GTGGTCTCCTGTCTGAAGGAGATAACCAAGGCTGCTACCCCTTGGATGGGCACATCCTCT-3'
Protein context (NP_001362391.1, residues 563-583): HVHCYRCEDC[Gly573Ser]GLLSEGDNQG